The following is an entry in ClinVar:

NM_198859.4(PRICKLE2):c.214C>T (p.Arg72Ter)

Gene: PRICKLE2 (prickle planar cell polarity protein 2; minus strand). Cytogenetic location: 3p14.1.
Variant type: single nucleotide variant.
Coding change: c.214C>T on transcript NM_198859.4 (MANE Select); coding-DNA position 214, C replaced by T.
Protein change: p.Arg72Ter; replaces arginine 72 with a stop codon.
Molecular consequence: nonsense.
Genome position (GRCh38, 1-based): chr3:64,163,060, G>A on the plus strand (C>T on the coding strand, the complement: PRICKLE2 is on the minus strand). VCF-style: chr3-64163060-G-A. GRCh37 (hg19) VCF-style: chr3-64148736-G-A.
Other names: c.214C>T, p.Arg72Ter (NM_001370528.1); short protein forms R72*.
Identifiers: ClinVar variation 1064439 (VCV001064439.2), dbSNP rs2077760949, ClinGen allele CA353437181.

ClinVar aggregate classification (germline): Conflicting classifications of pathogenicity. Review status: criteria provided, conflicting classifications (1 of 4 stars). 2 submissions from 2 submitters: Pathogenic (1); Uncertain significance (1). Last evaluated 2021-02-01.

Submissions (2):

Blueprint Genetics
Classification: Uncertain significance. Last evaluated: 2021-02-01. Review status: criteria provided, single submitter. Criteria: ACMG Guidelines, 2015. Collection method: clinical testing. Allele origin: germline.

Genetics and Personalized Medicine, Danish Epilepsy Center
Classification: Pathogenic. Last evaluated: 2021-02-01. Review status: criteria provided, single submitter. Criteria: ACMG Guidelines, 2015. Collection method: clinical testing. Allele origin: de novo. Affected: yes. Observed: 1 variant allele.
Comment: Interpretation based on ACMG guidelines from 2015 (PVS1+PS2+PM1+PM2+PP3)